The following is an entry in ClinVar:

ClinVar aggregate classification (germline): Uncertain significance (1 of 4 stars; one submission).

Conditions:
Holoprosencephaly sequence (HPE). Also called: Holoprosencephaly. Identifiers: Orphanet 2162, MedGen C0079541, MONDO:0016296, HP:0001360.

Submission:

Labcorp Genetics (formerly Invitae), Labcorp
Classification: Uncertain significance for Holoprosencephaly sequence. Last evaluated: 2025-08-12. Review status: criteria provided, single submitter. Criteria: Invitae Variant Classification Sherloc (09022015). Collection method: clinical testing. Allele origin: germline.
Comment: This sequence change replaces glycine, which is neutral and non-polar, with arginine, which is basic and polar, at codon 267 of the FOXH1 protein (p.Gly267Arg). This variant is present in population databases (rs770776025, gnomAD 0.03%). This variant has not been reported in the literature in individuals affected with FOXH1-related conditions. Invitae Evidence Modeling of protein sequence and biophysical properties (such as structural, functional, and spatial information, amino acid conservation, physicochemical variation, residue mobility, and thermodynamic stability) indicates that this missense variant is not expected to disrupt FOXH1 protein function with a negative predictive value of 80%. Experimental studies are conflicting or provide insufficient evidence to determine the effect of this variant on FOXH1 function (PMID: 18538293). In summary, the available evidence is currently insufficient to determine the role of this variant in disease. Therefore, it has been classified as a Variant of Uncertain Significance.

Literature cited by the submitters: PubMed 18538293.

NM_003923.3(FOXH1):c.799G>A (p.Gly267Arg)

Gene: FOXH1 (forkhead box H1; minus strand). Cytogenetic location: 8q24.3.
Variant type: single nucleotide variant.
Coding change: c.799G>A on transcript NM_003923.3 (MANE Select); coding-DNA position 799, G replaced by A.
Protein change: p.Gly267Arg; replaces glycine 267 with arginine.
Molecular consequence: missense variant.
Genome position (GRCh38, 1-based): chr8:144,474,537, C>T on the plus strand (G>A on the coding strand, the complement: FOXH1 is on the minus strand). VCF-style: chr8-144474537-C-T. GRCh37 (hg19) VCF-style: chr8-145699920-C-T.
Other names: short protein forms G267R.
Identifiers: ClinVar variation 4809463 (VCV004809463.1).